The following is an entry in ClinVar:

NM_001042492.3(NF1):c.6823_6827delinsTGG (p.Leu2275fs)

Gene: NF1 (neurofibromin 1; plus strand). Cytogenetic location: 17q11.2.
Variant type: Indel.
Coding change: c.6823_6827delinsTGG on transcript NM_001042492.3 (MANE Select); coding-DNA positions 6823 to 6827, CTTGA replaced by TGG.
Protein change: p.Leu2275fs; shifts the reading frame from leucine 2275.
Molecular consequence: frameshift variant.
Genome position (GRCh38, 1-based): chr17:31,338,707-31,338,711, CTTGA replaced by TGG. VCF-style: chr17-31338707-CTTGA-TGG. GRCh37 (hg19) VCF-style: chr17-29665725-CTTGA-TGG.
Other names: c.6760_6764delCTTGAinsTGG, p.Leu2254Trpfs (NM_000267.4); short protein forms L2254fs, L2275fs.
Identifiers: ClinVar variation 965365 (VCV000965365.6), dbSNP rs2069742393, ClinGen allele CA1139665458.

ClinVar aggregate classification (germline): Pathogenic (1 of 4 stars; one submission).

Conditions:
Neurofibromatosis, type 1 (NF1). Also called: Neurofibromatosis, type I; Peripheral type neurofibromatosis; VON RECKLINGHAUSEN DISEASE; NEUROFIBROMATOSIS, TYPE I, SOMATIC. Identifiers: Orphanet 636, MedGen C0027831, MONDO:0018975, OMIM 162200. Disease mechanism: loss of function.

Submission:

Labcorp Genetics (formerly Invitae), Labcorp
Classification: Pathogenic for Neurofibromatosis, type 1. Last evaluated: 2019-05-23. Review status: criteria provided, single submitter. Criteria: Invitae Variant Classification Sherloc (09022015). Collection method: clinical testing. Allele origin: germline.
Comment: This variant has not been reported in the literature in individuals with NF1-related conditions. Loss-of-function variants in NF1 are known to be pathogenic (PMID: 10712197, 23913538). For these reasons, this variant has been classified as Pathogenic. This variant is not present in population databases (ExAC no frequency). This sequence change creates a premature translational stop signal (p.Leu2254Trpfs*8) in the NF1 gene. It is expected to result in an absent or disrupted protein product.

Literature cited by the submitters: PubMed 10712197; PubMed 23913538.